The following is an entry in ClinVar:

NM_015443.4(KANSL1):c.1930A>C (p.Met644Leu)

Gene: KANSL1 (KAT8 regulatory NSL complex subunit 1). Cytogenetic location: 17q21.31.
Variant type: single nucleotide variant.
Coding change: c.1930A>C on transcript NM_015443.4 (MANE Select); coding-DNA position 1930, A replaced by C.
Protein change: p.Met644Leu; replaces methionine 644 with leucine.
Molecular consequence: missense variant.
Genome position (GRCh38, 1-based): chr17:46,050,623, T>G on the plus strand (A>C on the coding strand, the complement: KANSL1 is on the minus strand). VCF-style: chr17-46050623-T-G. GRCh37 (hg19) VCF-style: chr17-44127989-T-G.
Other names: c.1930A>C, p.Met644Leu (NM_001193465.2, NM_001193466.2, NM_001379198.1); short protein forms M644L.
Identifiers: ClinVar variation 1498851 (VCV001498851.8), dbSNP rs752955067, ClinGen allele CA399984074.

ClinVar aggregate classification (germline): Uncertain significance (1 of 4 stars; one submission).

Conditions:
Koolen-de Vries syndrome (KDVS). Identifiers: Orphanet 96169, MedGen C1864871, MONDO:0012496, OMIM 610443.

gnomAD v4.1: 2 of 1,613,982 alleles (0.00012%); highest among the groups gnomAD compares: African/African-American, 0.0027%; no homozygotes.

Submission:

Labcorp Genetics (formerly Invitae), Labcorp
Classification: Uncertain significance for Koolen-de Vries syndrome. Last evaluated: 2024-02-23. Review status: criteria provided, single submitter. Criteria: Invitae Variant Classification Sherloc (09022015). Collection method: clinical testing. Allele origin: germline.
Comment: This sequence change replaces methionine, which is neutral and non-polar, with leucine, which is neutral and non-polar, at codon 644 of the KANSL1 protein (p.Met644Leu). This variant is not present in population databases (gnomAD no frequency). This variant has not been reported in the literature in individuals affected with KANSL1-related conditions. ClinVar contains an entry for this variant (Variation ID: 1498851). An algorithm developed to predict the effect of missense changes on protein structure and function (PolyPhen-2) suggests that this variant is likely to be tolerated. In summary, the available evidence is currently insufficient to determine the role of this variant in disease. Therefore, it has been classified as a Variant of Uncertain Significance.